The following is an entry in ClinVar:

ClinVar aggregate classification (germline): Uncertain significance. Review status: criteria provided, multiple submitters, no conflicts (2 of 4 stars). 2 submissions from 2 submitters: Uncertain significance (2). Last evaluated 2022-10-13.

Conditions:
Inborn genetic diseases. Identifiers: MedGen C0950123, MeSH D030342.

Allele frequency attached by ClinVar (database versions not stated): gnomAD exomes below 0.00001.
gnomAD v4.1: 3 of 1,614,138 alleles (0.00019%); highest among the groups gnomAD compares: Middle Eastern, 0.016%; no homozygotes.

Submissions (2):

Labcorp Genetics (formerly Invitae), Labcorp
Classification: Uncertain significance. Last evaluated: 2022-10-13. Review status: criteria provided, single submitter. Criteria: Invitae Variant Classification Sherloc (09022015). Collection method: clinical testing. Allele origin: germline.
Comment: This sequence change replaces serine, which is neutral and polar, with proline, which is neutral and non-polar, at codon 1546 of the GPR179 protein (p.Ser1546Pro). This variant is not present in population databases (gnomAD no frequency). This variant has not been reported in the literature in individuals affected with GPR179-related conditions. ClinVar contains an entry for this variant (Variation ID: 1490721). Algorithms developed to predict the effect of missense changes on protein structure and function output the following: SIFT: "Tolerated"; PolyPhen-2: "Benign"; Align-GVGD: "Class C0". The proline amino acid residue is found in multiple mammalian species, which suggests that this missense change does not adversely affect protein function. In summary, the available evidence is currently insufficient to determine the role of this variant in disease. Therefore, it has been classified as a Variant of Uncertain Significance.

Ambry Genetics
Classification: Uncertain significance for Inborn genetic diseases. Last evaluated: 2022-04-06. Review status: criteria provided, single submitter. Criteria: Ambry Variant Classification Scheme 2023. Collection method: clinical testing. Allele origin: germline.

NM_001004334.4(GPR179):c.4636T>C (p.Ser1546Pro)

Gene: GPR179 (G protein-coupled receptor 179; minus strand). Cytogenetic location: 17q12.
Variant type: single nucleotide variant.
Coding change: c.4636T>C on transcript NM_001004334.4 (MANE Select); coding-DNA position 4636, T replaced by C.
Protein change: p.Ser1546Pro; replaces serine 1546 with proline.
Molecular consequence: missense variant.
Genome position (GRCh38, 1-based): chr17:38,328,933, A>G on the plus strand (T>C on the coding strand, the complement: GPR179 is on the minus strand). VCF-style: chr17-38328933-A-G. GRCh37 (hg19) VCF-style: chr17-36484816-A-G.
Other names: c.4636T>C (NM_001004334.2); short protein forms S1546P.
Identifiers: ClinVar variation 1490721 (VCV001490721.4), dbSNP rs2037320778, ClinGen allele CA398876439.
Genomic context (GRCh38, chr17:38,328,933, plus strand): 5'-CTCCATTGCATAGGAATTGGCTACCAGCTTTGGATGAGGAATTGTCTAGACATGGGCTGG[A>G]GTGCCCAGGGACCGTGCTCTCCCTGGGACAAACTGACTCCTGCTGTTGACTTAATTTCTG-3'
Protein context (NP_001004334.3, residues 1536-1556): CPRESTVPGH[Ser1546Pro]SPCLDNSSSK